The following is an entry in ClinVar:

ClinVar aggregate classification (germline): Pathogenic (1 of 4 stars; one submission).

Conditions:
Hermansky-Pudlak syndrome 3 (HPS3). Identifiers: Orphanet 231512, Orphanet 79430, MedGen C3888001, MONDO:0013555, OMIM 614072.

Submission:

Myriad Genetics, Inc.
Classification: Pathogenic for Hermansky-Pudlak syndrome 3. Last evaluated: 2024-05-14. Review status: criteria provided, single submitter. Criteria: Myriad Autosomal Dominant, Autosomal Recessive and X-Linked Classification Criteria (2023). Collection method: clinical testing. Allele origin: unknown.
Comment: NM_032383.3(HPS3):c.2444_2445ins16(P816Rfs*7) is expected to be pathogenic in the context of Hermansky-Pudlak syndrome, HPS3-related. This variant is predicted to lead to an abnormal or absent protein product due to the creation of a premature termination codon in HPS3, a gene where loss-of-function variants are known to be pathogenic. Please note: this variant was assessed in the context of healthy population screening.

NM_032383.5(HPS3):c.2444_2445insAAGAGCTGAGGAATTG (p.Pro816fs)

Genes: CP (ceruloplasmin; minus strand), HPS3 (HPS3 biogenesis of lysosomal organelles complex 2 subunit 1; plus strand). Cytogenetic location: 3q24.
Variant type: Insertion.
Coding change: c.2444_2445insAAGAGCTGAGGAATTG on transcript NM_032383.5 (MANE Select); coding-DNA positions 2444 to 2445, AAGAGCTGAGGAATTG inserted.
Protein change: p.Pro816fs; shifts the reading frame from proline 816.
Molecular consequence: frameshift variant. On other transcripts: non-coding transcript variant (1).
Genome position: GRCh38 VCF-style: chr3-149162841-C-CAAGAGCTGAGGAATTG. GRCh37 (hg19) VCF-style: chr3-148880628-C-CAAGAGCTGAGGAATTG.
Other names: c.1949_1950insAAGAGCTGAGGAATTG, p.Pro651fs (NM_001308258.2); short protein forms P651fs, P816fs.
Identifiers: ClinVar variation 5016341 (VCV005016341.1).